The following is an entry in ClinVar:

NM_001297.5(CNGB1):c.217+6T>C

Gene: CNGB1 (cyclic nucleotide gated channel subunit beta 1; minus strand). Cytogenetic location: 16q21.
Variant type: single nucleotide variant.
Coding change: c.217+6T>C on transcript NM_001297.5 (MANE Select); 6 bases into the intron after coding-DNA position 217, T replaced by C.
Molecular consequence: intron variant.
Genome position (GRCh38, 1-based): chr16:57,964,481, A>G on the plus strand (T>C on the coding strand, the complement: CNGB1 is on the minus strand). VCF-style: chr16-57964481-A-G. GRCh37 (hg19) VCF-style: chr16-57998385-A-G.
Other names: c.217+6T>C (NM_001286130.2, NM_001135639.2).
Identifiers: ClinVar variation 841910 (VCV000841910.8), dbSNP rs148191900, ClinGen allele CA8083958.

ClinVar aggregate classification (germline): Conflicting classifications of pathogenicity. Review status: criteria provided, conflicting classifications (1 of 4 stars). 4 submissions from 4 submitters: Uncertain significance (3); Likely benign (1). Last evaluated 2026-07-28.

Conditions:
CNGB1-related disorder. Also called: CNGB1-related condition.

Allele frequency attached by ClinVar (database versions not stated): ExAC 0.00011; gnomAD exomes 0.00011; 1000 Genomes Project 30x 0.00031; ESP Exome Variant Server 0.00032; 1000 Genomes Project 0.00040; gnomAD 0.00046 and 0.00051; TOPMed 0.00056.
gnomAD v4.1: 141 of 1,613,778 alleles (0.0087%); highest among the groups gnomAD compares: African/African-American, 0.16%; no homozygotes.

Submissions (4):

PreventionGenetics, part of Exact Sciences
Classification: Uncertain significance for CNGB1-related condition. Last evaluated: 2026-07-28. Review status: criteria provided, single submitter. Criteria: ACMG Guidelines, 2015. Collection method: clinical testing. Allele origin: germline.
Comment: The CNGB1 c.217+6T>C variant is predicted to interfere with splicing. To our knowledge, this variant has not been reported in the literature. This variant is predicted to alter splicing based on available splicing prediction programs (SpliceAI, Jaganathan et al. 2019. PubMed ID: 30661751). However, the use of computer prediction programs is not equivalent to functional evidence. This variant is reported in 0.14% of alleles in individuals of African descent in gnomAD. Although we suspect that this variant may be benign, at this time, the clinical significance of this variant is uncertain due to the absence of conclusive functional and genetic evidence.

Women's Health and Genetics/Laboratory Corporation of America, LabCorp
Classification: Uncertain significance. Last evaluated: 2024-11-04. Review status: criteria provided, single submitter. Criteria: LabCorp Variant Classification Summary - May 2015. Collection method: clinical testing. Allele origin: germline.

Blueprint Genetics
Classification: Likely benign. Last evaluated: 2024-10-22. Review status: criteria provided, single submitter. Criteria: ACMG Guidelines, 2015. Collection method: clinical testing. Allele origin: germline.

Labcorp Genetics (formerly Invitae), Labcorp
Classification: Uncertain significance. Last evaluated: 2022-10-19. Review status: criteria provided, single submitter. Criteria: Invitae Variant Classification Sherloc (09022015). Collection method: clinical testing. Allele origin: germline.
Comment: This sequence change falls in intron 3 of the CNGB1 gene. It does not directly change the encoded amino acid sequence of the CNGB1 protein. It affects a nucleotide within the consensus splice site. This variant is present in population databases (rs148191900, gnomAD 0.1%). This variant has been observed in individual(s) with clinical features of CNGB1-related conditions (Invitae). ClinVar contains an entry for this variant (Variation ID: 841910). Variants that disrupt the consensus splice site are a relatively common cause of aberrant splicing (PMID: 17576681, 9536098). Algorithms developed to predict the effect of sequence changes on RNA splicing suggest that this variant may disrupt the consensus splice site. In summary, the available evidence is currently insufficient to determine the role of this variant in disease. Therefore, it has been classified as a Variant of Uncertain Significance.

Literature cited by the submitters: PubMed 17576681 (cited by Labcorp Genetics (formerly Invitae), Labcorp); PubMed 9536098 (cited by Labcorp Genetics (formerly Invitae), Labcorp).